The following is an entry in ClinVar:

ClinVar aggregate classification (germline): Conflicting classifications of pathogenicity. Review status: criteria provided, conflicting classifications (1 of 4 stars). 9 submissions from 9 submitters: Uncertain significance (7); Benign (1); Likely benign (1). Last evaluated 2025-12-31.

Conditions:
Hereditary nonpolyposis colorectal neoplasms. Identifiers: MedGen C0009405, MeSH D003123.
Hereditary cancer-predisposing syndrome. Also called: Hereditary neoplastic syndrome; Tumor predisposition; Hereditary Cancer Syndrome; Neoplastic Syndromes, Hereditary. Identifiers: Orphanet 140162, MedGen C0027672, MeSH D009386, MONDO:0015356.
Lynch syndrome 4 (LYNCH4). Also called: Colorectal cancer, hereditary nonpolyposis, type 4; Hereditary non-polyposis colorectal cancer, type 4. Identifiers: Orphanet 144, MedGen C1838333, MONDO:0013699, OMIM 614337. Disease mechanism: loss of function.
Mismatch repair cancer syndrome 1 (MMRCS1). Also called: MISMATCH REPAIR DEFICIENCY; MMR DEFICIENCY; BRAIN TUMOR-POLYPOSIS SYNDROME 1; BTP1 SYNDROME; CHILDHOOD CANCER SYNDROME. Identifiers: Orphanet 252202, MedGen C5399763, MONDO:0010159, OMIM 276300. Disease mechanism: loss of function.
Lynch syndrome. Identifiers: Orphanet 144, MedGen C4552100, MONDO:0005835. Disease mechanism: loss of function.

Allele frequency attached by ClinVar (database versions not stated): gnomAD 0.00001; ExAC 0.00002; gnomAD exomes 0.00002; TOPMed 0.00002; ESP Exome Variant Server 0.00008.
gnomAD v4.1: 79 of 1,613,990 alleles (0.0049%); highest among the groups gnomAD compares: Non-Finnish European, 0.0063%; no homozygotes.

Submissions (9):

Labcorp Genetics (formerly Invitae), Labcorp
Classification: Benign for Hereditary nonpolyposis colorectal neoplasms. Last evaluated: 2025-12-31. Review status: criteria provided, single submitter. Criteria: Invitae Variant Classification Sherloc (09022015). Collection method: clinical testing. Allele origin: germline.

Color Diagnostics, LLC DBA Color Health
Classification: Uncertain significance for Hereditary cancer-predisposing syndrome. Last evaluated: 2025-05-21. Review status: criteria provided, single submitter. Criteria: ACMG Guidelines, 2015. Collection method: clinical testing. Allele origin: germline.
Comment: This missense variant replaces glutamic acid with lysine at codon 518 of the PMS2 protein. Computational prediction suggests that this variant may not impact protein structure and function. To our knowledge, functional studies have not been reported for this variant. This variant has been reported in individuals affected with colorectal cancer (PMID: 25559809, 28466842). A case-control study did not produce conclusive evidence for the association of this variant with colorectal cancer (PMID: 28466842). This variant has been identified in 5/251300 chromosomes in the general population by the Genome Aggregation Database (gnomAD). The available evidence is insufficient to determine the role of this variant in disease conclusively. Therefore, this variant is classified as a Variant of Uncertain Significance.

GeneDx
Classification: Uncertain significance. Last evaluated: 2024-06-03. Review status: criteria provided, single submitter. Criteria: GeneDx Variant Classification Process June 2021. Collection method: clinical testing. Allele origin: germline. Affected: yes.
Comment: In silico analysis indicates that this missense variant does not alter protein structure/function; Observed in individuals with colon or breast cancer (PMID: 25559809, 28466842, 34326862); This variant is associated with the following publications: (PMID: 25559809, 34326862, 37937776, 28466842)

All of Us Research Program, National Institutes of Health
Classification: Uncertain significance for Lynch syndrome. Last evaluated: 2023-11-30. Review status: criteria provided, single submitter. Criteria: ACMG Guidelines, 2015. Collection method: clinical testing. Allele origin: germline. Inheritance: Autosomal dominant inheritance. Observed: 7 variant alleles, 7 heterozygotes.
Comment: This missense variant replaces glutamic acid with lysine at codon 518 of the PMS2 protein. Computational prediction suggests that this variant may not impact protein structure and function (internally defined REVEL score threshold <= 0.5, PMID: 27666373). To our knowledge, functional studies have not been performed for this variant. This variant has been reported in individuals affected with colorectal cancer (PMID: 25559809, 28466842). A case-control study did not produce conclusive evidence for the association of this variant with colorectal cancer (PMID: 28466842). This variant has been identified in 5/251300 chromosomes in the general population by the Genome Aggregation Database (gnomAD). The available evidence is insufficient to determine the role of this variant in disease conclusively. Therefore, this variant is classified as a Variant of Uncertain Significance.

This study involves interpretation of variants in research participants for the purpose of population health screening. Participant phenotype was not available at the time of variant classification. Additional details can be found in publication PMID: 35346344, PMCID: PMC8962531

Quest Diagnostics Nichols Institute San Juan Capistrano
Classification: Uncertain significance. Last evaluated: 2019-03-22. Review status: criteria provided, single submitter. Criteria: Quest Diagnostics criteria. Collection method: clinical testing. Allele origin: germline.

Fulgent Genetics
Classification: Uncertain significance for Mismatch repair cancer syndrome 1; Lynch syndrome 4. Last evaluated: 2018-10-31. Review status: criteria provided, single submitter. Criteria: ACMG Guidelines, 2015. Collection method: clinical testing. Allele origin: unknown.

Ambry Genetics
Classification: Likely benign for Hereditary cancer-predisposing syndrome. Last evaluated: 2018-06-18. Review status: criteria provided, single submitter. Criteria: Ambry Variant Classification Scheme 2023. Collection method: clinical testing. Allele origin: germline.

Illumina Laboratory Services, Illumina
Classification: Uncertain significance for Lynch syndrome 4. Last evaluated: 2018-01-12. Review status: criteria provided, single submitter. Criteria: ICSL Variant Classification Criteria 13 December 2019. Collection method: clinical testing. Allele origin: germline.

Women's Health and Genetics/Laboratory Corporation of America, LabCorp
Classification: Uncertain significance. Last evaluated: 2016-07-25. Review status: criteria provided, single submitter. Criteria: LabCorp Variant Classification Summary - May 2015. Collection method: clinical testing. Allele origin: germline.
Comment: Variant summary: The PMS2 c.1552G>A (p.Glu518Lys) variant involves the alteration of a non-conserved nucleotide and is present outside of the known functional domains. 4/4 in silico tools predict a benign outcome for this variant (SNPs&GO not captured due to low reliability index). This variant was found in 2/120582 control chromosomes at a frequency of 0.0000166, which does not exceed the estimated maximal expected allele frequency of a pathogenic PMS2 variant (0.0001136). Multiple clinical diagnostic laboratories have classified this variant as uncertain significance. Because of the absence of sufficient clinical information and the lack of functional studies, the variant is currently classified as a variant of uncertain significance (VUS) until additional information becomes available.

Literature cited by the submitters: PubMed 25559809 (cited by 5 submitters); PubMed 28466842 (cited by 4 submitters); PubMed 15955779 (cited by Ambry Genetics).

NM_000535.7(PMS2):c.1552G>A (p.Glu518Lys)

Gene: PMS2 (PMS1 homolog 2, mismatch repair system component; minus strand). Cytogenetic location: 7p22.1.
Variant type: single nucleotide variant.
Coding change: c.1552G>A on transcript NM_000535.7 (MANE Select); coding-DNA position 1552, G replaced by A.
Protein change: p.Glu518Lys; replaces glutamic acid 518 with lysine.
Molecular consequence: missense variant. On other transcripts: non-coding transcript variant (1).
Genome position (GRCh38, 1-based): chr7:5,987,213, C>T on the plus strand (G>A on the coding strand, the complement: PMS2 is on the minus strand). VCF-style: chr7-5987213-C-T. GRCh37 (hg19) VCF-style: chr7-6026844-C-T.
Other names: c.1147G>A, p.Glu383Lys (NM_001322003.2, NM_001322004.2, NM_001322005.2 and 1 more transcripts); c.1396G>A, p.Glu466Lys (NM_001322006.2); c.1234G>A, p.Glu412Lys (NM_001322007.2, NM_001322008.2); c.991G>A, p.Glu331Lys (NM_001322010.2); c.619G>A, p.Glu207Lys (NM_001322011.2, NM_001322012.2); c.979G>A, p.Glu327Lys (NM_001322013.2); c.1552G>A, p.Glu518Lys (NM_001322014.2); c.1243G>A, p.Glu415Lys (NM_001322015.2); short protein forms E518K, E207K, E415K, E331K, E383K, E412K, E327K, E466K.
Identifiers: ClinVar variation 219612 (VCV000219612.35), dbSNP rs376142390, ClinGen allele CA044318.